The following is an entry in ClinVar:

ClinVar aggregate classification (germline): Pathogenic (1 of 4 stars; one submission).

Conditions:
Complex neurodevelopmental disorder. Identifiers: Orphanet 528084, MedGen C5568766, MONDO:0100038.
DYRK1A-related intellectual disability syndrome (MRD7). Also called: DYRK1A Syndrome; Intellectual developmental disorder, autosomal dominant 7. Identifiers: Orphanet 464306, MedGen C5568143, MONDO:0013578, OMIM 614104.

Submission:

UCLA Clinical Genomics Center, UCLA
Classification: Pathogenic for Mental retardation, autosomal dominant 7. Last evaluated: 2014-09-15. Review status: criteria provided, single submitter. Criteria: Submitter's publication. Collection method: clinical testing. Allele origin: de novo. Inheritance: Autosomal dominant inheritance. Affected: yes. Study: DYRK1A Haploinsufficiency Syndrome.

NM_001347721.2(DYRK1A):c.434del (p.Lys145fs)

Gene: DYRK1A (dual specificity tyrosine phosphorylation regulated kinase 1A; plus strand). Cytogenetic location: 21q22.13.
Variant type: Deletion.
Coding change: c.434del on transcript NM_001347721.2 (MANE Select); coding-DNA position 434, one base deleted (A; older notation c.434delA).
Protein change: p.Lys145fs; shifts the reading frame from lysine 145.
Molecular consequence: frameshift variant.
Genome position (GRCh38, 1-based): chr21:37,480,771, A deleted; the last of 4 consecutive A bases (chr21:37,480,768-37,480,771); deleting any one gives the same sequence. VCF-style (leftmost placement, unchanged base first): chr21-37480767-GA-G. GRCh37 (hg19) VCF-style: chr21-38853069-GA-G.
Other names: c.434del, p.Lys145fs (NM_001347722.2, NM_130436.2); c.347del, p.Lys116fs (NM_001347723.2); c.461del, p.Lys154fs (NM_001396.5, NM_101395.2, NM_130438.2); c.461delA (NM_001396.5); short protein forms K145fs, K154fs, K116fs.
Identifiers: ClinVar variation 204006 (VCV000204006.4), dbSNP rs797044521, ClinGen allele CA278528.
Genomic context (GRCh38, chr21:37,480,767, plus strand): 5'-CGGAAGGTTTACAATGATGGTTATGATGATGATAACTATGATTATATTGTAAAAAACGGA[GA>G]AAAGTGGATGGATCGTTACGAAATTGACTCCTTGATAGGCAAAGGTTCCTTTGGACAGGT-3'